The following is an entry in ClinVar:

ClinVar aggregate classification (germline): Uncertain significance (1 of 4 stars; one submission).

Conditions:
Hajdu-Cheney syndrome (HJCYS). Also called: ACROOSTEOLYSIS WITH OSTEOPOROSIS AND CHANGES IN SKULL AND MANDIBLE; Acroosteolysis dominant type; SERPENTINE FIBULA-POLYCYSTIC KIDNEY SYNDROME. Identifiers: Orphanet 955, MedGen C0917715, MONDO:0007057, OMIM 102500.

Allele frequency attached by ClinVar (database versions not stated): gnomAD exomes below 0.00001; ExAC 0.00001.
gnomAD v4.1: 2 of 1,613,992 alleles (0.00012%); highest among the groups gnomAD compares: Non-Finnish European, 0.00017%; no homozygotes.

Submission:

Labcorp Genetics (formerly Invitae), Labcorp
Classification: Uncertain significance for Hajdu-Cheney syndrome. Last evaluated: 2023-06-03. Review status: criteria provided, single submitter. Criteria: Invitae Variant Classification Sherloc (09022015). Collection method: clinical testing. Allele origin: germline.
Comment: In summary, the available evidence is currently insufficient to determine the role of this variant in disease. Therefore, it has been classified as a Variant of Uncertain Significance. Advanced modeling of protein sequence and biophysical properties (such as structural, functional, and spatial information, amino acid conservation, physicochemical variation, residue mobility, and thermodynamic stability) performed at Invitae indicates that this missense variant is not expected to disrupt NOTCH2 protein function. This variant has not been reported in the literature in individuals affected with NOTCH2-related conditions. This variant is not present in population databases (gnomAD no frequency). This sequence change replaces asparagine, which is neutral and polar, with serine, which is neutral and polar, at codon 689 of the NOTCH2 protein (p.Asn689Ser).

NM_024408.4(NOTCH2):c.2066A>G (p.Asn689Ser)

Gene: NOTCH2 (notch receptor 2; minus strand). Cytogenetic location: 1p12.
Variant type: single nucleotide variant.
Coding change: c.2066A>G on transcript NM_024408.4 (MANE Select); coding-DNA position 2066, A replaced by G.
Protein change: p.Asn689Ser; replaces asparagine 689 with serine.
Molecular consequence: missense variant.
Genome position (GRCh38, 1-based): chr1:119,955,193, T>C on the plus strand (A>G on the coding strand, the complement: NOTCH2 is on the minus strand). VCF-style: chr1-119955193-T-C. GRCh37 (hg19) VCF-style: chr1-120497816-T-C.
Other names: c.2066A>G, p.Asn689Ser (NM_001200001.2); short protein forms N689S.
Identifiers: ClinVar variation 2815118 (VCV002815118.3), dbSNP rs782325711, ClinGen allele CA1040388.